The following is an entry in ClinVar:

ClinVar aggregate classification (germline): Likely pathogenic (1 of 4 stars; one submission).

Conditions:
Hereditary spastic paraplegia 11. Also called: Spastic Paraplegia 11; Nakamura Osame syndrome; Autosomal recessive hereditary spastic paraplegia, mental impairment, and thin corpus callosum; SPASTIC PARAPLEGIA, AUTOSOMAL RECESSIVE, COMPLICATED, WITH THIN CORPUS CALLOSUM; SPASTIC PARAPLEGIA, AUTOSOMAL RECESSIVE, WITH MENTAL IMPAIRMENT AND THIN CORPUS CALLOSUM; Spastic paraplegia, mental retardation and thin corpus callosum. Identifiers: Orphanet 2822, MedGen C1858479, MONDO:0011445, OMIM 604360.

Allele frequency attached by ClinVar (database versions not stated): gnomAD exomes below 0.00001.
gnomAD v4.1: 1 of 1,607,952 alleles (0.000062%); highest among the groups gnomAD compares: Non-Finnish European, 0.000085%; no homozygotes.

Submission:

Labcorp Genetics (formerly Invitae), Labcorp
Classification: Likely pathogenic for Hereditary spastic paraplegia 11. Last evaluated: 2021-10-08. Review status: criteria provided, single submitter. Criteria: Invitae Variant Classification Sherloc (09022015). Collection method: clinical testing. Allele origin: germline.
Comment: This variant has not been reported in the literature in individuals affected with SPG11-related conditions. This variant is not present in population databases (ExAC no frequency). This sequence change affects an acceptor splice site in intron 29 of the SPG11 gene. It is expected to disrupt RNA splicing. Variants that disrupt the donor or acceptor splice site typically lead to a loss of protein function (PMID: 16199547), and loss-of-function variants in SPG11 are known to be pathogenic (PMID: 19105190, 20110243, 22154821, 26556829). Algorithms developed to predict the effect of sequence changes on RNA splicing suggest that this variant may disrupt the consensus splice site. In summary, the currently available evidence indicates that the variant is pathogenic, but additional data are needed to prove that conclusively. Therefore, this variant has been classified as Likely Pathogenic.

Literature cited by the submitters: PubMed 16199547; PubMed 19105190; PubMed 20110243; PubMed 22154821; PubMed 26556829.

NM_025137.4(SPG11):c.5122-1G>A

Gene: SPG11 (SPG11 vesicle trafficking associated, spatacsin; minus strand). Cytogenetic location: 15q21.1.
Variant type: single nucleotide variant.
Coding change: c.5122-1G>A on transcript NM_025137.4 (MANE Select); the canonical splice acceptor site of the intron before coding-DNA position 5122, G replaced by A.
Molecular consequence: splice acceptor variant. On other transcripts: intron variant (1).
Genome position (GRCh38, 1-based): chr15:44,584,559, C>T on the plus strand (G>A on the coding strand, the complement: SPG11 is on the minus strand). VCF-style: chr15-44584559-C-T. GRCh37 (hg19) VCF-style: chr15-44876757-C-T.
Other names: c.5122-145G>A (NM_001411132.1); c.5122-1G>A (NM_001160227.2).
Identifiers: ClinVar variation 1345871 (VCV001345871.6), dbSNP rs2140947703, ClinGen allele CA392223258.